The following is an entry in ClinVar:

ClinVar aggregate classification (germline): Pathogenic (1 of 4 stars; one submission).

Submission:

Labcorp Genetics (formerly Invitae), Labcorp
Classification: Pathogenic. Last evaluated: 2022-04-12. Review status: criteria provided, single submitter. Criteria: Invitae Variant Classification Sherloc (09022015). Collection method: clinical testing. Allele origin: germline.
Comment: For these reasons, this variant has been classified as Pathogenic. This variant has not been reported in the literature in individuals affected with FAM161A-related conditions. This variant is not present in population databases (gnomAD no frequency). This sequence change creates a premature translational stop signal (p.Pro513Leufs*15) in the FAM161A gene. It is expected to result in an absent or disrupted protein product. Loss-of-function variants in FAM161A are known to be pathogenic (PMID: 20705278, 20705279, 24651477).

Literature cited by the submitters: PubMed 20705278; PubMed 20705279; PubMed 24651477.

NM_001201543.2(FAM161A):c.1538del (p.Pro513fs)

Gene: FAM161A (FAM161 centrosomal protein A; minus strand). Cytogenetic location: 2p15.
Variant type: Deletion.
Coding change: c.1538del on transcript NM_001201543.2 (MANE Select); coding-DNA position 1538, one base deleted (C; older notation c.1538delC).
Protein change: p.Pro513fs; shifts the reading frame from proline 513.
Molecular consequence: frameshift variant. On other transcripts: non-coding transcript variant (1).
Genome position (GRCh38, 1-based): chr2:61,839,466, G deleted on the plus strand (C on the coding strand, the reverse complement: FAM161A is on the minus strand); the first of 3 consecutive G bases (chr2:61,839,466-61,839,468); deleting any one gives the same sequence. VCF-style (leftmost placement, unchanged base first): chr2-61839465-AG-A. GRCh37 (hg19) VCF-style: chr2-62066600-AG-A.
Other names: c.1538del, p.Pro513fs (NM_032180.3); short protein forms P513fs.
Identifiers: ClinVar variation 1982040 (VCV001982040.4), dbSNP rs2466022272, ClinGen allele CA2580067613.